The following is an entry in ClinVar:

ClinVar aggregate classification (germline): Uncertain significance (1 of 4 stars; one submission).

Conditions:
Wilson disease (WND). Also called: Wilson's disease. Identifiers: Orphanet 905, MedGen C0019202, MONDO:0010200, OMIM 277900. Disease mechanism: loss of function.

gnomAD v4.1: 1 of 1,614,058 alleles (0.000062%); highest among the groups gnomAD compares: Non-Finnish European, 0.000085%; no homozygotes.

Submission:

Color Diagnostics, LLC DBA Color Health
Classification: Uncertain significance for Wilson disease. Last evaluated: 2025-07-03. Review status: criteria provided, single submitter. Criteria: ACMG Guidelines, 2015. Collection method: clinical testing. Allele origin: germline.
Comment: This missense variant replaces serine with asparagine at codon 1066 of the ATP7B protein. Computational prediction suggests that this variant may not impact protein structure and function. To our knowledge, functional studies have not been reported for this variant. This variant has not been reported in individuals affected with ATP7B-related disorders in the literature. This variant has not been identified in the general population by the Genome Aggregation Database (gnomAD). The available evidence is insufficient to determine the role of this variant in disease conclusively. Therefore, this variant is classified as a Variant of Uncertain Significance.

NM_000053.4(ATP7B):c.3197G>A (p.Ser1066Asn)

Gene: ATP7B (ATPase copper transporting beta; minus strand). Cytogenetic location: 13q14.3.
Variant type: single nucleotide variant.
Coding change: c.3197G>A on transcript NM_000053.4 (MANE Select); coding-DNA position 3197, G replaced by A.
Protein change: p.Ser1066Asn; replaces serine 1066 with asparagine.
Molecular consequence: missense variant. On other transcripts: intron variant (1).
Genome position (GRCh38, 1-based): chr13:51,944,155, C>T on the plus strand (G>A on the coding strand, the complement: ATP7B is on the minus strand). VCF-style: chr13-51944155-C-T. GRCh37 (hg19) VCF-style: chr13-52518291-C-T.
Other names: c.2576G>A, p.Ser859Asn (NM_001005918.3); c.2864G>A, p.Ser955Asn (NM_001243182.2); c.2963G>A, p.Ser988Asn (NM_001330578.2, NM_001406527.1, NM_001406528.1 and 1 more transcripts); c.2945G>A, p.Ser982Asn (NM_001330579.2, NM_001406531.1, NM_001406532.1); c.3197G>A, p.Ser1066Asn (NM_001406511.1, NM_001406512.1, NM_001406526.1); c.3191G>A, p.Ser1064Asn (NM_001406513.1); c.3164G>A, p.Ser1055Asn (NM_001406514.1); c.3143G>A, p.Ser1048Asn (NM_001406515.1, NM_001406516.1); and 19 more; short protein forms S1001N, S1007N, S1018N, S1021N, S1034N, S1048N, S1055N, S1064N.
Identifiers: ClinVar variation 4758455 (VCV004758455.1).